The following is an entry in ClinVar:

ClinVar aggregate classification (germline): Uncertain significance (1 of 4 stars; one submission).

gnomAD v4.1: 14 of 1,614,114 alleles (0.00087%); highest among the groups gnomAD compares: Non-Finnish European, 0.0012%; no homozygotes.

Submission:

Labcorp Genetics (formerly Invitae), Labcorp
Classification: Uncertain significance. Last evaluated: 2025-12-22. Review status: criteria provided, single submitter. Criteria: Invitae Variant Classification Sherloc (09022015). Collection method: clinical testing. Allele origin: germline.
Comment: This sequence change replaces leucine, which is neutral and non-polar, with valine, which is neutral and non-polar, at codon 387 of the HIVEP2 protein (p.Leu387Val). This variant is present in population databases (rs768495222, gnomAD 0.002%). This variant has not been reported in the literature in individuals affected with HIVEP2-related conditions. Invitae Evidence Modeling of protein sequence and biophysical properties (such as structural, functional, and spatial information, amino acid conservation, physicochemical variation, residue mobility, and thermodynamic stability) has been performed for this missense variant. However, the output from this modeling did not meet the statistical confidence thresholds required to predict the impact of this variant on HIVEP2 protein function. In summary, the available evidence is currently insufficient to determine the role of this variant in disease. Therefore, it has been classified as a Variant of Uncertain Significance.

NM_006734.4(HIVEP2):c.1159C>G (p.Leu387Val)

Gene: HIVEP2 (HIVEP zinc finger 2; minus strand). Cytogenetic location: 6q24.2.
Variant type: single nucleotide variant.
Coding change: c.1159C>G on transcript NM_006734.4 (MANE Select); coding-DNA position 1159, C replaced by G.
Protein change: p.Leu387Val; replaces leucine 387 with valine.
Molecular consequence: missense variant.
Genome position (GRCh38, 1-based): chr6:142,773,580, G>C on the plus strand (C>G on the coding strand, the complement: HIVEP2 is on the minus strand). VCF-style: chr6-142773580-G-C. GRCh37 (hg19) VCF-style: chr6-143094717-G-C.
Other names: c.1159C>G, p.Leu387Val (NM_001438449.1, NM_001438450.1, NM_001438451.1); short protein forms L387V.
Identifiers: ClinVar variation 4782002 (VCV004782002.1).